The following is an entry in ClinVar:

ClinVar aggregate classification (germline): Likely benign. Review status: criteria provided, multiple submitters, no conflicts (2 of 4 stars). 3 submissions from 3 submitters: Likely benign (2). 1 of the submissions does not count toward it. Last evaluated 2026-01-24.

Conditions:
OCA2-related disorder. Also called: OCA2-related condition.

Allele frequency attached by ClinVar (database versions not stated): gnomAD exomes below 0.00001 and 0.00002; ExAC 0.00002; TOPMed 0.00002; gnomAD 0.00004 and 0.00005.
gnomAD v4.1: 33 of 1,611,036 alleles (0.002%); highest among the groups gnomAD compares: East Asian, 0.0089%; 2 homozygotes.

Submissions (3):

Labcorp Genetics (formerly Invitae), Labcorp
Classification: Likely benign. Last evaluated: 2026-01-24. Review status: criteria provided, single submitter. Criteria: Invitae Variant Classification Sherloc (09022015). Collection method: clinical testing. Allele origin: germline.

Blueprint Genetics
Classification: Likely benign. Last evaluated: 2024-10-14. Review status: criteria provided, single submitter. Criteria: ACMG Guidelines, 2015. Collection method: clinical testing. Allele origin: germline.

PreventionGenetics, part of Exact Sciences
Classification: Likely benign for OCA2-related condition. Last evaluated: 2019-04-17. Review status: no assertion criteria provided. Collection method: clinical testing. Allele origin: germline. Not counted in ClinVar's aggregate classification.
Comment: This variant is classified as likely benign based on ACMG/AMP sequence variant interpretation guidelines (Richards et al. 2015 PMID: 25741868, with internal and published modifications).

NM_000275.3(OCA2):c.2245-8C>G

Gene: OCA2 (OCA2 melanosomal transmembrane protein; minus strand). Cytogenetic location: 15q13.1.
Variant type: single nucleotide variant.
Coding change: c.2245-8C>G on transcript NM_000275.3 (MANE Select); 8 bases into the intron before coding-DNA position 2245, C replaced by G.
Molecular consequence: intron variant.
Genome position (GRCh38, 1-based): chr15:27,851,483, G>C on the plus strand (C>G on the coding strand, the complement: OCA2 is on the minus strand). VCF-style: chr15-27851483-G-C. GRCh37 (hg19) VCF-style: chr15-28096629-G-C.
Other names: c.2173-8C>G (NM_001300984.2); c.2245-8C>G (NM_000275.2).
Identifiers: ClinVar variation 1672802 (VCV001672802.11), dbSNP rs768263906, ClinGen allele CA7438671.
Genomic context (GRCh38, chr15:27,851,483, plus strand): 5'-GGTGCGGGCAGGCCAACCTCAGGGTCGTGGCTCAGGTTCAGGAGCACGGGAATCTGTGGA[G>C]GAAGAGGACATTGATGCCACGTCCCATGGACGCTCAGAGAAGCTGCCATACTGTGACCAA-3'